The following is an entry in ClinVar:

NM_000080.4(CHRNE):c.1345C>A (p.Arg449Ser)

Gene: CHRNE (cholinergic receptor nicotinic epsilon subunit; minus strand). Cytogenetic location: 17p13.2.
Variant type: single nucleotide variant.
Coding change: c.1345C>A on transcript NM_000080.4 (MANE Select); coding-DNA position 1345, C replaced by A.
Protein change: p.Arg449Ser; replaces arginine 449 with serine.
Molecular consequence: missense variant.
Genome position (GRCh38, 1-based): chr17:4,898,873, G>T on the plus strand (C>A on the coding strand, the complement: CHRNE is on the minus strand). VCF-style: chr17-4898873-G-T. GRCh37 (hg19) VCF-style: chr17-4802168-G-T.
Other names: short protein forms R449S.
Identifiers: ClinVar variation 959504 (VCV000959504.11), dbSNP rs149083639, ClinGen allele CA8313845.
Genomic context (GRCh38, chr17:4,898,873, plus strand): 5'-CCACGCTGAAGAGCACCAGAGCGGCCCAGAAGCAGATGTTGTCAAGGGCATTCCCCATGC[G>T]CACCCAGTCGGACACTTCCTGGGGAAGGGTCGGCACAGTCAGTAAAGAGGCAGCTGCAGG-3'
Protein context (NP_000071.1, residues 439-459): ATGEEVSDWV[Arg449Ser]MGNALDNICF

ClinVar aggregate classification (germline): Uncertain significance. Review status: criteria provided, multiple submitters, no conflicts (2 of 4 stars). 3 submissions from 3 submitters: Uncertain significance (2). 1 of the submissions does not count toward it. Last evaluated 2023-05-19.

Conditions:
Congenital myasthenic syndrome (CMS). Also called: Congenital Myasthenic Syndromes. Identifiers: Orphanet 590, MedGen C0751882, MeSH D020294, MONDO:0018940.
Congenital myasthenic syndrome 4A. Also called: MYASTHENIC SYNDROME, CONGENITAL, 4A, SLOW-CHANNEL, AUTOSOMAL RECESSIVE; Myasthenic syndrome, congenital, 4a, slow-channel; CONGENITAL MYASTHENIC SYNDROME TYPE Ia1. Identifiers: Orphanet 590, MedGen C4225413, MONDO:0011600, OMIM 605809.

gnomAD v4.1: 1 of 1,582,818 alleles (0.000063%); highest among the groups gnomAD compares: South Asian, 0.0011%; no homozygotes.

Submissions (3):

GeneDx
Classification: Uncertain significance. Last evaluated: 2023-05-19. Review status: criteria provided, single submitter. Criteria: GeneDx Variant Classification Process June 2021. Collection method: clinical testing. Allele origin: germline. Affected: yes.
Comment: In silico analysis supports that this missense variant does not alter protein structure/function; Has not been previously published as pathogenic or benign to our knowledge

Labcorp Genetics (formerly Invitae), Labcorp
Classification: Uncertain significance for Congenital myasthenic syndrome 4A. Last evaluated: 2022-01-14. Review status: criteria provided, single submitter. Criteria: Invitae Variant Classification Sherloc (09022015). Collection method: clinical testing. Allele origin: germline.
Comment: ClinVar contains an entry for this variant (Variation ID: 959504). In summary, the available evidence is currently insufficient to determine the role of this variant in disease. Therefore, it has been classified as a Variant of Uncertain Significance. Algorithms developed to predict the effect of sequence changes on RNA splicing suggest that this variant may create or strengthen a splice site. Advanced modeling of protein sequence and biophysical properties (such as structural, functional, and spatial information, amino acid conservation, physicochemical variation, residue mobility, and thermodynamic stability) performed at Invitae indicates that this missense variant is not expected to disrupt CHRNE protein function. This variant has not been reported in the literature in individuals affected with CHRNE-related conditions. The frequency data for this variant in the population databases is considered unreliable, as metrics indicate poor data quality at this position in the gnomAD database. This sequence change replaces arginine, which is basic and polar, with serine, which is neutral and polar, at codon 449 of the CHRNE protein (p.Arg449Ser).

Natera, Inc.
Classification: Uncertain significance for Congenital myasthenic syndrome. Last evaluated: 2020-05-17. Review status: no assertion criteria provided. Collection method: clinical testing. Allele origin: germline. Not counted in ClinVar's aggregate classification.